The following is an entry in ClinVar:

NM_001260.3(CDK8):c.76A>G (p.Lys26Glu)

Genes: CDK8 (cyclin dependent kinase 8; plus strand), LOC130009416 (ATAC-STARR-seq lymphoblastoid silent region 5186; plus strand). Cytogenetic location: 13q12.13.
Variant type: single nucleotide variant.
Coding change: c.76A>G on transcript NM_001260.3 (MANE Select); coding-DNA position 76, A replaced by G.
Protein change: p.Lys26Glu; replaces lysine 26 with glutamic acid.
Molecular consequence: missense variant. On other transcripts: 5 prime UTR variant (1).
Genome position (GRCh38, 1-based): chr13:26,254,717, A>G. VCF-style: chr13-26254717-A-G. GRCh37 (hg19) VCF-style: chr13-26828854-A-G.
Other names: c.76A>G, p.Lys26Glu (NM_001318368.2); c.-386A>G (NM_001346501.2); short protein forms K26E.
Identifiers: ClinVar variation 4855598 (VCV004855598.1).

ClinVar aggregate classification (germline): Uncertain significance (1 of 4 stars; one submission).

Conditions:
Intellectual developmental disorder with hypotonia and behavioral abnormalities. Identifiers: MedGen C5231489, MONDO:0032897, OMIM 618748.

Submission:

3billion
Classification: Uncertain significance for Intellectual developmental disorder with hypotonia and behavioral abnormalities. Last evaluated: 2025-09-02. Review status: criteria provided, single submitter. Criteria: ACMG Guidelines, 2015. Collection method: clinical testing. Allele origin: germline. Affected: yes.
Comment: The variant is not observed in the gnomAD v4.1.0 dataset. Predicted Consequence/Location: Missense variant. Missense changes are a common disease-causing mechanism. In silico tool predictions suggest damaging effect of the variant on gene or gene product [3Cnet: 0.78 (> 0.75, sensitivity 0.96 and precision 0.92)]. Therefore, this variant is classified as VUS according to the recommendation of ACMG/AMP guideline.